The following is an entry in ClinVar:

ClinVar aggregate classification (germline): Uncertain significance (1 of 4 stars; one submission).

Conditions:
DICER1-related tumor predisposition. Also called: DICER1-related pleuropulmonary blastoma cancer predisposition syndrome; DICER1 syndrome. Identifiers: Orphanet 284343, MedGen C3839822, MONDO:0100216.

Submission:

Labcorp Genetics (formerly Invitae), Labcorp
Classification: Uncertain significance for DICER1-related tumor predisposition. Last evaluated: 2025-04-30. Review status: criteria provided, single submitter. Criteria: Invitae Variant Classification Sherloc (09022015). Collection method: clinical testing. Allele origin: germline.
Comment: This sequence change replaces glutamine, which is neutral and polar, with lysine, which is basic and polar, at codon 337 of the DICER1 protein (p.Gln337Lys). This variant is not present in population databases (gnomAD no frequency). This variant has not been reported in the literature in individuals affected with DICER1-related conditions. Invitae Evidence Modeling of protein sequence and biophysical properties (such as structural, functional, and spatial information, amino acid conservation, physicochemical variation, residue mobility, and thermodynamic stability) indicates that this missense variant is not expected to disrupt DICER1 protein function with a negative predictive value of 95%. In summary, the available evidence is currently insufficient to determine the role of this variant in disease. Therefore, it has been classified as a Variant of Uncertain Significance.

NM_177438.3(DICER1):c.1009C>A (p.Gln337Lys)

Gene: DICER1 (dicer 1, ribonuclease III; minus strand). Cytogenetic location: 14q32.13.
Variant type: single nucleotide variant.
Coding change: c.1009C>A on transcript NM_177438.3 (MANE Select); coding-DNA position 1009, C replaced by A.
Protein change: p.Gln337Lys; replaces glutamine 337 with lysine.
Molecular consequence: missense variant. On other transcripts: 5 prime UTR variant (1), non-coding transcript variant (6).
Genome position (GRCh38, 1-based): chr14:95,124,563, G>T on the plus strand (C>A on the coding strand, the complement: DICER1 is on the minus strand). VCF-style: chr14-95124563-G-T. GRCh37 (hg19) VCF-style: chr14-95590900-G-T.
Other names: c.1009C>A, p.Gln337Lys (NM_001195573.1, NM_001271282.3, NM_001291628.2 and 14 more transcripts); c.727C>A, p.Gln243Lys (NM_001395686.1); c.604C>A, p.Gln202Lys (NM_001395687.1, NM_001395688.1, NM_001395689.1 and 3 more transcripts); c.442C>A, p.Gln148Lys (NM_001395691.1); c.-560C>A (NM_001395697.1); short protein forms Q202K, Q243K, Q148K, Q337K.
Identifiers: ClinVar variation 4746814 (VCV004746814.1).